The following is an entry in ClinVar:

NM_001111020.3(SUPT5H):c.1317G>A (p.Lys439=)

Gene: SUPT5H (SPT5 homolog, DSIF elongation factor subunit; plus strand). Cytogenetic location: 19q13.2.
Variant type: single nucleotide variant.
Coding change: c.1317G>A on transcript NM_001111020.3 (MANE Select); coding-DNA position 1317, G replaced by A.
Protein change: p.Lys439=; no amino-acid change (lysine 439 retained).
Molecular consequence: synonymous variant.
Genome position (GRCh38, 1-based): chr19:39,469,341, G>A. VCF-style: chr19-39469341-G-A. GRCh37 (hg19) VCF-style: chr19-39959981-G-A.
Other names: c.1317G>A, p.Lys439= (NM_001130824.2, NM_001319990.2, NM_003169.4); c.1305G>A, p.Lys435= (NM_001130825.2, NM_001319991.2).
Identifiers: ClinVar variation 3027292 (VCV003027292.22), dbSNP rs2079286019, ClinGen allele CA507423686.

ClinVar aggregate classification (germline): Uncertain significance (1 of 4 stars; one submission).

Submission:

CeGaT Center for Human Genetics Tuebingen
Classification: Uncertain significance. Last evaluated: 2024-02-01. Review status: criteria provided, single submitter. Criteria: CeGaT Center For Human Genetics Tuebingen Variant Classification Criteria Version 2. Collection method: clinical testing. Allele origin: germline. Affected: yes. Observed: 1 variant allele.
Comment: SUPT5H: PM2:Supporting, BP4